The following is an entry in ClinVar:

ClinVar aggregate classification (germline): Uncertain significance (1 of 4 stars; one submission).

Allele frequency attached by ClinVar (database versions not stated): gnomAD exomes below 0.00001; gnomAD 0.00001.
gnomAD v4.1: 6 of 1,612,444 alleles (0.00037%); highest among the groups gnomAD compares: South Asian, 0.0055%; no homozygotes.

Submission:

Labcorp Genetics (formerly Invitae), Labcorp
Classification: Uncertain significance. Last evaluated: 2024-04-22. Review status: criteria provided, single submitter. Criteria: Invitae Variant Classification Sherloc (09022015). Collection method: clinical testing. Allele origin: germline.
Comment: This sequence change replaces alanine, which is neutral and non-polar, with glycine, which is neutral and non-polar, at codon 598 of the SI protein (p.Ala598Gly). This variant is present in population databases (no rsID available, gnomAD 0.003%). This variant has not been reported in the literature in individuals affected with SI-related conditions. ClinVar contains an entry for this variant (Variation ID: 1345819). Advanced modeling of protein sequence and biophysical properties (such as structural, functional, and spatial information, amino acid conservation, physicochemical variation, residue mobility, and thermodynamic stability) has been performed at Invitae for this missense variant, however the output from this modeling did not meet the statistical confidence thresholds required to predict the impact of this variant on SI protein function. In summary, the available evidence is currently insufficient to determine the role of this variant in disease. Therefore, it has been classified as a Variant of Uncertain Significance.

NM_001041.4(SI):c.1793C>G (p.Ala598Gly)

Gene: SI (sucrase-isomaltase; minus strand). Cytogenetic location: 3q26.1.
Variant type: single nucleotide variant.
Coding change: c.1793C>G on transcript NM_001041.4 (MANE Select); coding-DNA position 1793, C replaced by G.
Protein change: p.Ala598Gly; replaces alanine 598 with glycine.
Molecular consequence: missense variant.
Genome position (GRCh38, 1-based): chr3:165,046,935, G>C on the plus strand (C>G on the coding strand, the complement: SI is on the minus strand). VCF-style: chr3-165046935-G-C. GRCh37 (hg19) VCF-style: chr3-164764723-G-C.
Other names: short protein forms A598G.
Identifiers: ClinVar variation 1345819 (VCV001345819.6), dbSNP rs1447266919, ClinGen allele CA355052253.
Genomic context (GRCh38, chr3:165,046,935, plus strand): 5'-CCAGTTATAGACCATTCCATTTGTTCCCATGAAGCAGTATTGTCTCCTAACCAATGCGCA[G>C]CATGTCTTCCAGATCCAGCAAATGTTGAGCGGGTAAGAATGAAGCTTCTCTTATTAGGAA-3'
Protein context (NP_001032.2, residues 588-608): RSTFAGSGRH[Ala598Gly]AHWLGDNTAS